The following is an entry in ClinVar:

NM_002454.3(MTRR):c.1135A>G (p.Ile379Val)

Gene: MTRR (5-methyltetrahydrofolate-homocysteine methyltransferase reductase; plus strand). Cytogenetic location: 5p15.31.
Variant type: single nucleotide variant.
Coding change: c.1135A>G on transcript NM_002454.3 (MANE Select); coding-DNA position 1135, A replaced by G.
Protein change: p.Ile379Val; replaces isoleucine 379 with valine.
Molecular consequence: missense variant. On other transcripts: non-coding transcript variant (12).
Genome position (GRCh38, 1-based): chr5:7,886,692, A>G. VCF-style: chr5-7886692-A-G. GRCh37 (hg19) VCF-style: chr5-7886805-A-G.
Other names: c.1135A>G (NM_002454.2); c.1135A>G, p.Ile379Val (NM_001364440.2, NM_001364441.2, NM_001364442.2 and 1 more transcripts); short protein forms I379V.
Identifiers: ClinVar variation 1043242 (VCV001043242.9), dbSNP rs746404785, ClinGen allele CA3195828.

ClinVar aggregate classification (germline): Conflicting classifications of pathogenicity. Review status: criteria provided, conflicting classifications (1 of 4 stars). 3 submissions from 3 submitters: Uncertain significance (1); Likely benign (1). 1 of the submissions does not count toward it. Last evaluated 2024-08-19.

Conditions:
Inborn genetic diseases. Identifiers: MedGen C0950123, MeSH D030342.
Methylcobalamin deficiency type cblE (HMAE). Also called: HOMOCYSTINURIA-MEGALOBLASTIC ANEMIA, cblE COMPLEMENTATION TYPE; VITAMIN B12-RESPONSIVE HOMOCYSTINURIA, cblE TYPE; HOMOCYSTINURIA-MEGALOBLASTIC ANEMIA, cblE TYPE. Identifiers: Orphanet 2169, Orphanet 622, MedGen C1856057, MONDO:0009354, OMIM 236270.

Allele frequency attached by ClinVar (database versions not stated): gnomAD 0.00001; TOPMed 0.00001; ExAC 0.00002; gnomAD exomes 0.00004.
gnomAD v4.1: 22 of 1,611,180 alleles (0.0014%); highest among the groups gnomAD compares: East Asian, 0.013%; no homozygotes.

Submissions (3):

Ambry Genetics
Classification: Likely benign for Inborn genetic diseases. Last evaluated: 2024-08-19. Review status: criteria provided, single submitter. Criteria: Ambry Variant Classification Scheme 2023. Collection method: clinical testing. Allele origin: germline.

Labcorp Genetics (formerly Invitae), Labcorp
Classification: Uncertain significance for Methylcobalamin deficiency type cblE. Last evaluated: 2022-09-07. Review status: criteria provided, single submitter. Criteria: Invitae Variant Classification Sherloc (09022015). Collection method: clinical testing. Allele origin: germline.
Comment: This sequence change replaces isoleucine, which is neutral and non-polar, with valine, which is neutral and non-polar, at codon 379 of the MTRR protein (p.Ile379Val). This variant is present in population databases (rs746404785, gnomAD 0.03%). This variant has not been reported in the literature in individuals affected with MTRR-related conditions. ClinVar contains an entry for this variant (Variation ID: 1043242). Algorithms developed to predict the effect of missense changes on protein structure and function output the following: SIFT: "Tolerated"; PolyPhen-2: "Benign"; Align-GVGD: "Class C0". The valine amino acid residue is found in multiple mammalian species, which suggests that this missense change does not adversely affect protein function. Algorithms developed to predict the effect of sequence changes on RNA splicing suggest that this variant may create or strengthen a splice site. In summary, the available evidence is currently insufficient to determine the role of this variant in disease. Therefore, it has been classified as a Variant of Uncertain Significance.

Natera, Inc.
Classification: Uncertain significance for CblE complementation type homocystinuria-megaloblastic anemia due to defect in cobalamin metabolism. Last evaluated: 2020-04-17. Review status: no assertion criteria provided. Collection method: clinical testing. Allele origin: germline. Not counted in ClinVar's aggregate classification.